The following is an entry in ClinVar:

NM_001365276.2(TNXB):c.6469C>T (p.Arg2157Cys)

Gene: TNXB (tenascin XB; minus strand). Cytogenetic location: 6p21.33.
Variant type: single nucleotide variant.
Coding change: c.6469C>T on transcript NM_001365276.2 (MANE Select); coding-DNA position 6469, C replaced by T.
Protein change: p.Arg2157Cys; replaces arginine 2157 with cysteine.
Molecular consequence: missense variant.
Genome position (GRCh38, 1-based): chr6:32,067,736, G>A on the plus strand (C>T on the coding strand, the complement: TNXB is on the minus strand). VCF-style: chr6-32067736-G-A. GRCh37 (hg19) VCF-style: chr6-32035513-G-A.
Other names: c.6469C>T, p.Arg2157Cys (NM_019105.8); short protein forms R2157C.
Identifiers: ClinVar variation 624234 (VCV000624234.49), dbSNP rs369153948, ClinGen allele CA3734421.

ClinVar aggregate classification (germline): Uncertain significance. Review status: criteria provided, multiple submitters, no conflicts (2 of 4 stars). 5 submissions from 5 submitters: Uncertain significance (5). Last evaluated 2026-05-18.

Conditions:
Cardiovascular phenotype. Identifiers: MedGen CN230736.
Ehlers-Danlos syndrome due to tenascin-X deficiency (EDSCLL1). Also called: TNX DEFICIENCY; EHLERS-DANLOS SYNDROME, CLASSIC-LIKE; Ehlers-Danlos syndrome, classic-like, 1; TNXB-Related Classical-Like Ehlers-Danlos Syndrome; EDS DUE TO TNX DEFICIENCY. Identifiers: Orphanet 230839, MedGen C1848029, MONDO:0011670, OMIM 606408.
Vesicoureteral reflux 8 (VUR8). Identifiers: Orphanet 289365, MedGen C4014831, MONDO:0014422, OMIM 615963.

Allele frequency attached by ClinVar (database versions not stated): gnomAD 0.00005; gnomAD exomes 0.00005 and 0.00006; ExAC 0.00008; ESP Exome Variant Server 0.00008; 1000 Genomes Project 30x 0.00016; 1000 Genomes Project 0.00020; TOPMed 0.00004.
gnomAD v4.1: 74 of 1,613,784 alleles (0.0046%); highest among the groups gnomAD compares: Non-Finnish European, 0.0059%; no homozygotes.

Submissions (5):

Women's Health and Genetics/Laboratory Corporation of America, LabCorp
Classification: Uncertain significance. Last evaluated: 2026-05-18. Review status: criteria provided, single submitter. Criteria: LabCorp Variant Classification Summary - May 2015. Collection method: clinical testing. Allele origin: germline.
Comment: Variant summary: TNXB c.6469C>T (p.Arg2157Cys) results in a non-conservative amino acid change in the encoded protein sequence. Algorithms developed to predict the effect of missense changes on protein structure and function are either unavailable or do not agree on the potential impact of this missense change. The variant allele was found at a frequency of 5.6e-05 in 248850 control chromosomes. This frequency is not significantly higher than estimated for disease-causing variants in TNXB, allowing no conclusion about variant significance. To our knowledge, no occurrence of c.6469C>T in individuals affected with TNXB-related conditions and no experimental evidence demonstrating its impact on protein function have been reported. ClinVar contains an entry for this variant (Variation ID: 624234). Based on the evidence outlined above, the variant was classified as uncertain significance.

Ambry Genetics
Classification: Uncertain significance for Cardiovascular phenotype. Last evaluated: 2025-01-04. Review status: criteria provided, single submitter. Criteria: Ambry Variant Classification Scheme 2023. Collection method: clinical testing. Allele origin: germline.
Comment: The p.R2157C variant (also known as c.6469C>T), located in coding exon 17 of the TNXB gene, results from a C to T substitution at nucleotide position 6469. The arginine at codon 2157 is replaced by cysteine, an amino acid with highly dissimilar properties. This amino acid position is conserved. In addition, this alteration is predicted to be tolerated by in silico analysis. Since supporting evidence is limited at this time, the clinical significance of this alteration remains unclear.

GeneDx
Classification: Uncertain significance. Last evaluated: 2024-08-15. Review status: criteria provided, single submitter. Criteria: GeneDx Variant Classification Process June 2021. Collection method: clinical testing. Allele origin: germline. Affected: yes.
Comment: Has not been previously published as pathogenic or benign to our knowledge; In silico analysis supports that this missense variant has a deleterious effect on protein structure/function

Fulgent Genetics
Classification: Uncertain significance for Ehlers-Danlos syndrome due to tenascin-X deficiency; Vesicoureteral reflux 8. Last evaluated: 2024-01-30. Review status: criteria provided, single submitter. Criteria: ACMG Guidelines, 2015. Collection method: clinical testing. Allele origin: germline.

CeGaT Center for Human Genetics Tuebingen
Classification: Uncertain significance. Last evaluated: 2018-08-01. Review status: criteria provided, single submitter. Criteria: CeGaT Center For Human Genetics Tuebingen Variant Classification Criteria Version 2. Collection method: clinical testing. Allele origin: germline. Affected: yes. Observed: 1 variant allele.